The following is an entry in ClinVar:

NM_001161352.2(KCNMA1):c.3340G>C (p.Gly1114Arg)

Genes: KCNMA1 (potassium calcium-activated channel subfamily M alpha 1; minus strand), KCNMA1-AS1 (KCNMA1 antisense RNA 1; plus strand). Cytogenetic location: 10q22.3.
Variant type: single nucleotide variant.
Coding change: c.3340G>C on transcript NM_001161352.2 (MANE Select); coding-DNA position 3340, G replaced by C.
Protein change: p.Gly1114Arg; replaces glycine 1114 with arginine.
Molecular consequence: missense variant.
Genome position (GRCh38, 1-based): chr10:76,891,527, C>G on the plus strand (G>C on the coding strand, the complement: KCNMA1 is on the minus strand). VCF-style: chr10-76891527-C-G. GRCh37 (hg19) VCF-style: chr10-78651285-C-G.
Other names: c.3178G>C, p.Gly1060Arg (NM_001014797.3); c.3289G>C, p.Gly1097Arg (NM_001161353.2); c.3016G>C, p.Gly1006Arg (NM_001271518.2); c.3256G>C, p.Gly1086Arg (NM_001271519.2); c.3175G>C, p.Gly1059Arg (NM_001322829.2, NM_001322836.2); c.3268G>C, p.Gly1090Arg (NM_001322830.2); c.3166G>C, p.Gly1056Arg (NM_001322832.2, NM_001410940.1, NM_002247.4); c.3259G>C, p.Gly1087Arg (NM_001322835.2, NM_001322837.2); and 3 more; short protein forms G1006R, G1056R, G1059R, G1060R, G1085R, G1086R, G1087R, G1090R.
Identifiers: ClinVar variation 4076655 (VCV004076655.1).

ClinVar aggregate classification (germline): Uncertain significance (1 of 4 stars; one submission).

Submission:

GeneDx
Classification: Uncertain significance. Last evaluated: 2025-02-24. Review status: criteria provided, single submitter. Criteria: GeneDx Variant Classification Process June 2021. Collection method: clinical testing. Allele origin: germline. Affected: yes.
Comment: Not observed at significant frequency in large population cohorts (gnomAD); In silico analysis supports that this missense variant has a deleterious effect on protein structure/function; Has not been previously published as pathogenic or benign to our knowledge